The following is an entry in ClinVar:

chr1:248525146-248525657 complex variant

Gene: OR2T4 (olfactory receptor family 2 subfamily T member 4; plus strand). Cytogenetic location: 1q44.
Variant type: Complex.
Identifiers: ClinVar variation 221360 (VCV000221360.2).

ClinVar aggregate classification (germline): Uncertain significance (0 of 4 stars; one submission).

Conditions:
Breast ductal adenocarcinoma. Also called: Ductal breast carcinoma; Breast cancer, invasive ductal. Identifiers: MedGen C1527349, MONDO:0005590.

Submission:

Next Generation Diagnostics, Novartis Institutes for BioMedical Research, Inc.
Classification: Uncertain significance for Breast ductal adenocarcinoma. Last evaluated: 2015-07-20. Review status: no assertion criteria provided. Collection method: research. Allele origin: somatic. Affected: yes.
Comment: Loss of heterozygosity